The following is an entry in ClinVar:

ClinVar aggregate classification (germline): Uncertain significance (1 of 4 stars; one submission).

gnomAD v4.1: 5 of 1,598,588 alleles (0.00031%); highest among the groups gnomAD compares: Non-Finnish European, 0.00043%; no homozygotes.

Submission:

Labcorp Genetics (formerly Invitae), Labcorp
Classification: Uncertain significance. Last evaluated: 2022-03-10. Review status: criteria provided, single submitter. Criteria: Invitae Variant Classification Sherloc (09022015). Collection method: clinical testing. Allele origin: germline.
Comment: This sequence change replaces asparagine, which is neutral and polar, with isoleucine, which is neutral and non-polar, at codon 455 of the PLK4 protein (p.Asn455Ile). This variant is not present in population databases (gnomAD no frequency). This variant has not been reported in the literature in individuals affected with PLK4-related conditions. Algorithms developed to predict the effect of missense changes on protein structure and function are either unavailable or do not agree on the potential impact of this missense change (SIFT: "Tolerated"; PolyPhen-2: "Possibly Damaging"; Align-GVGD: "Class C0"). In summary, the available evidence is currently insufficient to determine the role of this variant in disease. Therefore, it has been classified as a Variant of Uncertain Significance.

NM_014264.5(PLK4):c.1364A>T (p.Asn455Ile)

Gene: PLK4 (polo like kinase 4; plus strand). Cytogenetic location: 4q28.1.
Variant type: single nucleotide variant.
Coding change: c.1364A>T on transcript NM_014264.5 (MANE Select); coding-DNA position 1364, A replaced by T.
Protein change: p.Asn455Ile; replaces asparagine 455 with isoleucine.
Molecular consequence: missense variant.
Genome position (GRCh38, 1-based): chr4:127,887,401, A>T. VCF-style: chr4-127887401-A-T. GRCh37 (hg19) VCF-style: chr4-128808556-A-T.
Other names: c.1268A>T, p.Asn423Ile (NM_001190799.2); c.1241A>T, p.Asn414Ile (NM_001190801.2); short protein forms N455I, N414I, N423I.
Identifiers: ClinVar variation 1510442 (VCV001510442.5), dbSNP rs373379984, ClinGen allele CA358154703.